The following is an entry in ClinVar:

ClinVar aggregate classification (germline): Likely benign. Review status: criteria provided, multiple submitters, no conflicts (2 of 4 stars). 3 submissions from 3 submitters: Likely benign (2). 1 of the submissions does not count toward it. Last evaluated 2026-01-26.

Conditions:
SMAD2-related disorder. Also called: SMAD2-related condition; SMAD2-related disorders.

Allele frequency attached by ClinVar (database versions not stated): gnomAD exomes 0.00005; ExAC 0.00008; ESP Exome Variant Server 0.00023; gnomAD 0.00024 and 0.00026; TOPMed 0.00024.
gnomAD v4.1: 115 of 1,578,680 alleles (0.0073%); highest among the groups gnomAD compares: African/African-American, 0.058%; no homozygotes.

Submissions (3):

Labcorp Genetics (formerly Invitae), Labcorp
Classification: Likely benign. Last evaluated: 2026-01-26. Review status: criteria provided, single submitter. Criteria: Invitae Variant Classification Sherloc (09022015). Collection method: clinical testing. Allele origin: germline.

GeneDx
Classification: Likely benign. Last evaluated: 2020-10-14. Review status: criteria provided, single submitter. Criteria: GeneDx Variant Classification Process June 2021. Collection method: clinical testing. Allele origin: germline. Affected: yes.

PreventionGenetics, part of Exact Sciences
Classification: Likely benign for SMAD2-related condition. Last evaluated: 2019-07-12. Review status: no assertion criteria provided. Collection method: clinical testing. Allele origin: germline. Not counted in ClinVar's aggregate classification.
Comment: This variant is classified as likely benign based on ACMG/AMP sequence variant interpretation guidelines (Richards et al. 2015 PMID: 25741868, with internal and published modifications).

NM_005901.6(SMAD2):c.785-9C>A

Gene: SMAD2 (SMAD family member 2; minus strand). Cytogenetic location: 18q21.1.
Variant type: single nucleotide variant.
Coding change: c.785-9C>A on transcript NM_005901.6 (MANE Select); 9 bases into the intron before coding-DNA position 785, C replaced by A.
Molecular consequence: intron variant.
Genome position (GRCh38, 1-based): chr18:47,848,696, G>T on the plus strand (C>A on the coding strand, the complement: SMAD2 is on the minus strand). VCF-style: chr18-47848696-G-T. GRCh37 (hg19) VCF-style: chr18-45375067-G-T.
Other names: c.695-9C>A (NM_001135937.3); c.785-9C>A (NM_001003652.4, NM_005901.5).
Identifiers: ClinVar variation 1202392 (VCV001202392.13), dbSNP rs377290715, ClinGen allele CA8956127.
Genomic context (GRCh38, chr18:47,848,696, plus strand): 5'-TATGCTATCGAACACCAAAATGCAGGTTCTGAGTAAGTAACTGGCTGTAAATCTGAAAAA[G>T]AAAAAAATAAAAAAATAATAAAAGGAAGAAATGCGTGAACAATTCAAGCCAAAAATAGAT-3'